The following is an entry in ClinVar:

ClinVar aggregate classification (germline): Likely benign (1 of 4 stars; one submission).

Submission:

CeGaT Center for Human Genetics Tuebingen
Classification: Likely benign. Last evaluated: 2024-07-01. Review status: criteria provided, single submitter. Criteria: CeGaT Center For Human Genetics Tuebingen Variant Classification Criteria Version 2. Collection method: clinical testing. Allele origin: germline. Affected: yes. Observed: 3 variant alleles.
Comment: NIPBL: BS1

NM_133433.4(NIPBL):c.-79-1599TG[14]

Gene: NIPBL (NIPBL cohesin loading factor; plus strand). Cytogenetic location: 5p13.2.
Variant type: Microsatellite.
Coding change: c.-79-1599TG[14] on transcript NM_133433.4 (MANE Select); 14 copies in a row of the 2-base unit TG starting at c.-79-1599; the reference has 18 copies in a row; four copies, 8 bases deleted.
Molecular consequence: intron variant.
Genome position (GRCh38, 1-based): chr5:36,952,047-36,952,054, TGTGTGTG deleted; deleting any 8 consecutive bases within chr5:36,952,019-36,952,054 gives the same sequence; the position shown is the placement nearest the transcript's 3' end. VCF-style (leftmost placement, unchanged base first): chr5-36952018-CTGTGTGTG-C. GRCh37 (hg19) VCF-style: chr5-36952120-CTGTGTGTG-C.
Other names: c.-79-1599TG[14] (NM_015384.5).
Identifiers: ClinVar variation 2655413 (VCV002655413.24), dbSNP rs60067315, ClinGen allele CA810290847.